The following is an entry in ClinVar:

NM_001197104.2(KMT2A):c.54CGG[5] (p.Gly23_Arg24insGly)

Gene: KMT2A (lysine methyltransferase 2A; plus strand). Cytogenetic location: 11q23.3.
Variant type: Microsatellite.
Coding change: c.54CGG[5] on transcript NM_001197104.2 (MANE Select); five copies in a row of the 3-base unit CGG starting at c.54; the reference has four copies in a row; one copy, 3 bases duplicated.
Protein change: p.Gly23_Arg24insGly.
Molecular consequence: inframe insertion.
Genome position (GRCh38, 1-based): chr11:118,436,575-118,436,577, CGG duplicated; duplicating any 3 consecutive bases within chr11:118,436,564-118,436,577 gives the same sequence; the position shown is the placement nearest the transcript's 3' end. VCF-style (leftmost placement, unchanged base first): chr11-118436563-G-GGGC. GRCh37 (hg19) VCF-style: chr11-118307278-G-GGGC.
Other names: c.54CGG[5], p.Gly23_Arg24insGly (NM_001412597.1, NM_005933.4).
Identifiers: ClinVar variation 3010406 (VCV003010406.3), dbSNP rs1407741917, ClinGen allele CA2616260594.
Genomic context (GRCh38, chr11:118,436,563, plus strand): 5'-CGGGGCGAACATGGCGCACAGCTGTCGGTGGCGCTTCCCCGCCCGACCCGGGACCACCGG[G>GGGC]GGCGGCGGCGGCGGGGGGCGCCGGGGCCTAGGGGGCGCCCCGCGGCAACGCGTCCCGGCC-3'

ClinVar aggregate classification (germline): Uncertain significance (1 of 4 stars; one submission).

Submission:

Labcorp Genetics (formerly Invitae), Labcorp
Classification: Uncertain significance. Last evaluated: 2025-01-24. Review status: criteria provided, single submitter. Criteria: Invitae Variant Classification Sherloc (09022015). Collection method: clinical testing. Allele origin: germline.
Comment: This variant, c.63_65dup, results in the insertion of 1 amino acid(s) of the KMT2A protein (p.Gly23dup), but otherwise preserves the integrity of the reading frame. This variant is not present in population databases (gnomAD no frequency). This variant has not been reported in the literature in individuals affected with KMT2A-related conditions. In summary, the available evidence is currently insufficient to determine the role of this variant in disease. Therefore, it has been classified as a Variant of Uncertain Significance.